The following is an entry in ClinVar:

NM_001001671.4(MAP3K15):c.3750G>A (p.Leu1250=)

Genes: MAP3K15 (mitogen-activated protein kinase kinase kinase 15; minus strand), PDHA1 (pyruvate dehydrogenase E1 subunit alpha 1; plus strand). Cytogenetic location: Xp22.12.
Variant type: single nucleotide variant.
Coding change: c.3750G>A on transcript NM_001001671.4 (MANE Select); coding-DNA position 3750, G replaced by A.
Protein change: p.Leu1250=; no amino-acid change (leucine 1250 retained).
Molecular consequence: synonymous variant. On other transcripts: 3 prime UTR variant (4).
Genome position (GRCh38, 1-based): chrX:19,361,523, C>T on the plus strand (G>A on the coding strand, the complement: MAP3K15 is on the minus strand). VCF-style: chrX-19361523-C-T. GRCh37 (hg19) VCF-style: chrX-19379641-C-T.
Other names: c.*1870C>T (NM_000284.4, NM_001173454.2, NM_001173455.2 and 1 more transcripts).
Identifiers: ClinVar variation 2660126 (VCV002660126.24), dbSNP rs1602237492, ClinGen allele CA515486721.
Genomic context (GRCh38, chrX:19,361,523, plus strand): 5'-AGCATAAGAATTTCTTTGTTGTAAATTTACCTTTTCAATTGTCTTTGCATCAGCTCCTTG[C>T]AGCCGCAACCAGTCTATAAGCTCTTTATCTGTTCTCTGCCCGTAGGGGCCTGCTGGGTTC-3'
Protein context (NP_001001671.3, residues 1240-1260): TDKELIDWLR[Leu1250=]QGADAKTIEK

ClinVar aggregate classification (germline): Likely benign (1 of 4 stars; one submission).

Allele frequency attached by ClinVar (database versions not stated): gnomAD exomes below 0.00001.
gnomAD v4.1: 1 of 1,211,173 alleles (0.000083%); highest among the groups gnomAD compares: Non-Finnish European, 0.00011%; no homozygotes.

Submission:

CeGaT Center for Human Genetics Tuebingen
Classification: Likely benign. Last evaluated: 2022-05-01. Review status: criteria provided, single submitter. Criteria: CeGaT Center For Human Genetics Tuebingen Variant Classification Criteria Version 2. Collection method: clinical testing. Allele origin: germline. Affected: yes. Observed: 1 variant allele.
Comment: MAP3K15: PM2:Supporting, BP4, BP7